The following is an entry in ClinVar:

ClinVar aggregate classification (germline): Pathogenic (1 of 4 stars; one submission).

Submission:

Labcorp Genetics (formerly Invitae), Labcorp
Classification: Pathogenic. Last evaluated: 2024-04-09. Review status: criteria provided, single submitter. Criteria: Invitae Variant Classification Sherloc (09022015). Collection method: clinical testing. Allele origin: germline.
Comment: This sequence change creates a premature translational stop signal (p.Val1483Metfs*2) in the ADGRV1 gene. It is expected to result in an absent or disrupted protein product. Loss-of-function variants in ADGRV1 are known to be pathogenic (PMID: 19357117, 22135276, 22147658, 26226137, 30718709, 31047384, 32467589). This variant is not present in population databases (gnomAD no frequency). This variant has not been reported in the literature in individuals affected with ADGRV1-related conditions. For these reasons, this variant has been classified as Pathogenic.

Literature cited by the submitters: PubMed 19357117; PubMed 22135276; PubMed 22147658; PubMed 26226137; PubMed 30718709; PubMed 31047384; PubMed 32467589.

NM_032119.4(ADGRV1):c.4445_4446dup (p.Val1483fs)

Gene: ADGRV1 (adhesion G protein-coupled receptor V1; plus strand). Cytogenetic location: 5q14.3.
Variant type: Duplication.
Coding change: c.4445_4446dup on transcript NM_032119.4 (MANE Select); coding-DNA positions 4445 to 4446, 2 bases duplicated (AT; older notation c.4445_4446dupAT).
Protein change: p.Val1483fs; shifts the reading frame from valine 1483.
Molecular consequence: frameshift variant. On other transcripts: non-coding transcript variant (1).
Genome position (GRCh38, 1-based): chr5:90,657,971-90,657,972, AT duplicated. VCF-style (leftmost placement, unchanged base first): chr5-90657970-G-GAT. GRCh37 (hg19) VCF-style: chr5-89953787-G-GAT.
Other names: short protein forms V1483fs.
Identifiers: ClinVar variation 3649345 (VCV003649345.2).
Genomic context (GRCh38, chr5:90,657,970, plus strand): 5'-GGGATACTGAGAATTGGAGCAGGGATAAATGGCAATGACAGATTTACAGGTCTGATGCAG[G>GAT]ATGTGAGGTCCTATGAGCGGAAACTGACGCTTGAAGAAATTTATGAACTTCATGCCATGC-3'